The following is an entry in ClinVar:

NM_001267550.2(TTN):c.18589G>A (p.Glu6197Lys)

Genes: TTN (titin; minus strand), LOC126806430 (BRD4-independent group 4 enhancer GRCh37_chr2:179593794-179594993; plus strand). Cytogenetic location: 2q31.2.
Variant type: single nucleotide variant.
Coding change: c.18589G>A on transcript NM_001267550.2 (MANE Select); coding-DNA position 18589, G replaced by A.
Protein change: p.Glu6197Lys; replaces glutamic acid 6197 with lysine.
Molecular consequence: missense variant. On other transcripts: intron variant (3).
Genome position (GRCh38, 1-based): chr2:178,729,664, C>T on the plus strand (G>A on the coding strand, the complement: TTN is on the minus strand). VCF-style: chr2-178729664-C-T. GRCh37 (hg19) VCF-style: chr2-179594391-C-T.
Other names: c.17638G>A, p.Glu5880Lys (NM_001256850.1); c.14857G>A, p.Glu4953Lys (NM_133378.4); c.13282+8418G>A (NM_003319.4); c.13858+8418G>A (NM_133437.4); c.13657+8418G>A (NM_133432.3); short protein forms E6197K, E4953K, E5880K.
Identifiers: ClinVar variation 3763543 (VCV003763543.2).
Genomic context (GRCh38, chr2:178,729,664, plus strand): 5'-GAAGACCCCAAACTTATCAGGCAGCACAGCCAAAATGGAGAATAGATTCCATTCACGAAC[C>T]TTTCACTTTGAGTTCAATGCTGCAGCTCGCCGTGCCTGCGTCATTTCGAGCTTCACACAC-3'
Protein context (NP_001254479.2, residues 6187-6207): ASCSIELKVK[Glu6197Lys]PPTFIRELKP

ClinVar aggregate classification (germline): Uncertain significance (1 of 4 stars; one submission).

Conditions:
Autosomal recessive limb-girdle muscular dystrophy type 2J (LGMDR10). Also called: Limb-girdle muscular dystrophy, type 2J; MUSCULAR DYSTROPHY, LIMB-GIRDLE, AUTOSOMAL RECESSIVE 10. Identifiers: Orphanet 140922, MedGen C1837342, MONDO:0012127, OMIM 608807.
Dilated cardiomyopathy 1G (CMD1G). Identifiers: Orphanet 154, MedGen C1858763, MONDO:0011400, OMIM 604145.

gnomAD v4.1: 2 of 1,613,718 alleles (0.00012%); highest among the groups gnomAD compares: South Asian, 0.0011%; no homozygotes.

Submission:

Labcorp Genetics (formerly Invitae), Labcorp
Classification: Uncertain significance for Dilated cardiomyopathy 1G; Autosomal recessive limb-girdle muscular dystrophy type 2J. Last evaluated: 2024-03-05. Review status: criteria provided, single submitter. Criteria: Invitae Variant Classification Sherloc (09022015). Collection method: clinical testing. Allele origin: germline.
Comment: This sequence change replaces glutamic acid, which is acidic and polar, with lysine, which is basic and polar, at codon 6197 of the TTN protein (p.Glu6197Lys). This variant also falls at the last nucleotide of exon 63, which is part of the consensus splice site for this exon. This variant is not present in population databases (gnomAD no frequency). This variant has not been reported in the literature in individuals affected with TTN-related conditions. Experimental studies and prediction algorithms are not available or were not evaluated, and the functional significance of this variant is currently unknown. Variants that disrupt the consensus splice site are a relatively common cause of aberrant splicing (PMID: 17576681, 9536098). Algorithms developed to predict the effect of sequence changes on RNA splicing suggest that this variant may disrupt the consensus splice site. This variant is located in the I band of TTN (PMID: 25589632). Non-truncating variants in this region may be clinically relevant, but have not been definitively shown to cause cardiomyopathy or neuromuscular disease (PMID: 27493940, 32778822). In summary, the available evidence is currently insufficient to determine the role of this variant in disease. Therefore, it has been classified as a Variant of Uncertain Significance.

Literature cited by the submitters: PubMed 17576681; PubMed 9536098; PubMed 25589632; PubMed 27493940; PubMed 32778822.